The following is an entry in ClinVar:

NM_001136157.2(OTUD5):c.151G>A (p.Asp51Asn)

Gene: OTUD5 (OTU deubiquitinase 5; minus strand). Cytogenetic location: Xp11.23.
Variant type: single nucleotide variant.
Coding change: c.151G>A on transcript NM_001136157.2 (MANE Select); coding-DNA position 151, G replaced by A.
Protein change: p.Asp51Asn; replaces aspartic acid 51 with asparagine.
Molecular consequence: missense variant. On other transcripts: intron variant (1).
Genome position (GRCh38, 1-based): chrX:48,957,420, C>T on the plus strand (G>A on the coding strand, the complement: OTUD5 is on the minus strand). VCF-style: chrX-48957420-C-T. GRCh37 (hg19) VCF-style: chrX-48814682-C-T.
Other names: c.151G>A, p.Asp51Asn (NM_001136158.2, NM_017602.4); c.-58+812G>A (NM_001136159.2); short protein forms D51N.
Identifiers: ClinVar variation 1696524 (VCV001696524.1), dbSNP rs2147704197, ClinGen allele CA412920772.

ClinVar aggregate classification (germline): Uncertain significance (1 of 4 stars; one submission).

Conditions:
Multiple congenital anomalies-neurodevelopmental syndrome, X-linked. Also called: LINKED SYNDROME. Identifiers: MedGen C5542341, MONDO:0025351, OMIM 301056.

Submission:

New York Genome Center
Classification: Uncertain significance for Multiple congenital anomalies-neurodevelopmental syndrome, X-linked. Last evaluated: 2021-07-30. Review status: criteria provided, single submitter. Criteria: NYGC Assertion Criteria 2020. Collection method: clinical testing. Allele origin: inherited. Observed: 1 hemizygote. Study: CSER-NYCKidSeq.
Comment: Recently, multiple different hemizygous missense variants in OTUD5 have been reported in individuals diagnosed with X-linked multiple congenital anomalies-neurodevelopmental syndrome [PMID: 33523931, 33131077, 33748114]. This variant is absent from the gnomAD(v3) database, suggesting it is not a common benign variant in the populations represented in that database. The variant affects a non-conserved residue [Asp51] and in silico tools provide conflicting predictions about potential pathogenicity of this variant (CADD score = 22.3, REVEL score = 0.105). Due to the lack of compelling evidence for its pathogenicity, the maternally inherited hemizygous c.151G>A (p.Asp51Asn) missense variant identified in the OTUD5 gene is reported as a Variant of UncertainSignificance.